The following is an entry in ClinVar:

ClinVar aggregate classification (germline): Pathogenic (1 of 4 stars; one submission).

Conditions:
Epilepsy, familial focal, with variable foci 3 (FFEVF3). Identifiers: MedGen C4310708, MONDO:0014925, OMIM 617118.

Submission:

Labcorp Genetics (formerly Invitae), Labcorp
Classification: Pathogenic for Epilepsy, familial focal, with variable foci 3. Last evaluated: 2017-10-10. Review status: criteria provided, single submitter. Criteria: Invitae Variant Classification Sherloc (09022015). Collection method: clinical testing. Allele origin: germline.
Comment: This sequence change creates a premature translational stop signal (p.Gln32*) in the NPRL3 gene. It is expected to result in an absent or disrupted protein product. For these reasons, this variant has been classified as Pathogenic. Loss-of-function variants in NPRL3 are known to be pathogenic (PMID: 26285051, 26505888). This variant has not been reported in the literature in individuals with NPRL3-related disease. This variant is not present in population databases (ExAC no frequency).

Literature cited by the submitters: PubMed 26285051; PubMed 26505888.

NM_001077350.3(NPRL3):c.94C>T (p.Gln32Ter)

Genes: HBA-LCR (alpha-globin locus control region; plus strand), NPRL3 (NPR3 like, GATOR1 complex subunit; minus strand). Cytogenetic location: 16p13.3.
Variant type: single nucleotide variant.
Coding change: c.94C>T on transcript NM_001077350.3 (MANE Select); coding-DNA position 94, C replaced by T.
Protein change: p.Gln32Ter; replaces glutamine 32 with a stop codon.
Molecular consequence: nonsense. On other transcripts: 5 prime UTR variant (2).
Genome position (GRCh38, 1-based): chr16:138,174, G>A on the plus strand (C>T on the coding strand, the complement: NPRL3 is on the minus strand). VCF-style: chr16-138174-G-A. GRCh37 (hg19) VCF-style: chr16-188173-G-A.
Other names: c.-239C>T (NM_001039476.3); c.-278C>T (NM_001243247.2); c.94C>T, p.Gln32Ter (NM_001243248.2, NM_001243249.2); short protein forms Q32*.
Identifiers: ClinVar variation 581844 (VCV000581844.6), dbSNP rs1567152003, ClinGen allele CA393999526.